The following is an entry in ClinVar:

ClinVar aggregate classification (germline): Uncertain significance (1 of 4 stars; one submission).

Conditions:
Susceptibility to respiratory infections associated with CD8alpha chain mutation (IMD116). Also called: IMMUNODEFICIENCY 116; Cd8 deficiency, familial. Identifiers: Orphanet 169085, MedGen C1837065, MONDO:0012161, OMIM 608957.

Allele frequency attached by ClinVar (database versions not stated): gnomAD exomes below 0.00001 and 0.00001; gnomAD 0.00001; TOPMed 0.00006.
gnomAD v4.1: 4 of 1,613,796 alleles (0.00025%); highest among the groups gnomAD compares: Admixed American, 0.005%; no homozygotes.

Submission:

Labcorp Genetics (formerly Invitae), Labcorp
Classification: Uncertain significance for Susceptibility to respiratory infections associated with CD8alpha chain mutation. Last evaluated: 2022-05-03. Review status: criteria provided, single submitter. Criteria: Invitae Variant Classification Sherloc (09022015). Collection method: clinical testing. Allele origin: germline.
Comment: In summary, the available evidence is currently insufficient to determine the role of this variant in disease. Therefore, it has been classified as a Variant of Uncertain Significance. Algorithms developed to predict the effect of missense changes on protein structure and function are either unavailable or do not agree on the potential impact of this missense change (SIFT: "Deleterious"; PolyPhen-2: "Probably Damaging"; Align-GVGD: "Class C15"). ClinVar contains an entry for this variant (Variation ID: 956296). This variant has not been reported in the literature in individuals affected with CD8A-related conditions. This variant is present in population databases (no rsID available, gnomAD 0.009%). This sequence change replaces alanine, which is neutral and non-polar, with glutamic acid, which is acidic and polar, at codon 187 of the CD8A protein (p.Ala187Glu).

NM_001768.7(CD8A):c.560C>A (p.Ala187Glu)

Gene: CD8A (CD8 subunit alpha; minus strand). Cytogenetic location: 2p11.2.
Variant type: single nucleotide variant.
Coding change: c.560C>A on transcript NM_001768.7 (MANE Select); coding-DNA position 560, C replaced by A.
Protein change: p.Ala187Glu; replaces alanine 187 with glutamic acid.
Molecular consequence: missense variant. On other transcripts: non-coding transcript variant (2), intron variant (1).
Genome position (GRCh38, 1-based): chr2:86,789,388, G>T on the plus strand (C>A on the coding strand, the complement: CD8A is on the minus strand). VCF-style: chr2-86789388-G-T. GRCh37 (hg19) VCF-style: chr2-87016511-G-T.
Other names: c.560C>A, p.Ala187Glu (NM_001145873.1, NM_001382698.1); c.514+252C>A (NM_171827.4); short protein forms A187E.
Identifiers: ClinVar variation 956296 (VCV000956296.8), dbSNP rs1298509451, ClinGen allele CA347576083.